The following is an entry in ClinVar:

NM_005359.6(SMAD4):c.881T>C (p.Met294Thr)

Gene: SMAD4 (SMAD family member 4; plus strand). Cytogenetic location: 18q21.2.
Variant type: single nucleotide variant.
Coding change: c.881T>C on transcript NM_005359.6 (MANE Select); coding-DNA position 881, T replaced by C.
Protein change: p.Met294Thr; replaces methionine 294 with threonine.
Molecular consequence: missense variant. On other transcripts: non-coding transcript variant (2).
Genome position (GRCh38, 1-based): chr18:51,058,433, T>C. VCF-style: chr18-51058433-T-C. GRCh37 (hg19) VCF-style: chr18-48584803-T-C.
Other names: c.881T>C, p.Met294Thr (NM_001407041.1, NM_001407042.1, NM_001407043.1); short protein forms M294T.
Identifiers: ClinVar variation 3238434 (VCV003238434.1), dbSNP rs2144429278.

ClinVar aggregate classification (germline): Uncertain significance (1 of 4 stars; one submission).

Conditions:
Hereditary cancer-predisposing syndrome. Also called: Neoplastic Syndromes, Hereditary; Tumor predisposition; Hereditary neoplastic syndrome; Hereditary Cancer Syndrome. Identifiers: Orphanet 140162, MedGen C0027672, MeSH D009386, MONDO:0015356.
Familial thoracic aortic aneurysm and aortic dissection (TAAD). Also called: Thoracic aortic aneurysms and dissections. Identifiers: Orphanet 91387, MedGen C4707243, MONDO:0019625.

Submission:

Ambry Genetics
Classification: Uncertain significance for Hereditary cancer-predisposing syndrome; Familial thoracic aortic aneurysm and aortic dissection. Last evaluated: 2023-09-29. Review status: criteria provided, single submitter. Criteria: Ambry Variant Classification Scheme 2023. Collection method: clinical testing. Allele origin: germline.
Comment: The p.M294T variant (also known as c.881T>C), located in coding exon 6 of the SMAD4 gene, results from a T to C substitution at nucleotide position 881. The methionine at codon 294 is replaced by threonine, an amino acid with similar properties. This amino acid position is conserved. In addition, this alteration is predicted to be deleterious by in silico analysis. Since supporting evidence is limited at this time, the clinical significance of this alteration remains unclear.